The following is an entry in ClinVar:

ClinVar aggregate classification (germline): Uncertain significance (1 of 4 stars; one submission).

Conditions:
Familial hemophagocytic lymphohistiocytosis 5. Also called: STXBP2-Related Familial Hemophagocytic Lymphohistiocytosis (STXBP2-fHLH). Identifiers: Orphanet 540, MedGen C2751293, MONDO:0013135, OMIM 613101.

Submission:

Labcorp Genetics (formerly Invitae), Labcorp
Classification: Uncertain significance for Familial hemophagocytic lymphohistiocytosis 5. Last evaluated: 2020-11-16. Review status: criteria provided, single submitter. Criteria: Invitae Variant Classification Sherloc (09022015). Collection method: clinical testing. Allele origin: germline.
Comment: This sequence change replaces serine with asparagine at codon 16 of the STXBP2 protein (p.Ser16Asn). The serine residue is weakly conserved and there is a small physicochemical difference between serine and asparagine. This variant is not present in population databases (ExAC no frequency). This variant has not been reported in the literature in individuals with STXBP2-related conditions. Algorithms developed to predict the effect of missense changes on protein structure and function output the following: SIFT: "Tolerated"; PolyPhen-2: "Benign"; Align-GVGD: "Class C0". The asparagine amino acid residue is found in multiple mammalian species, suggesting that this missense change does not adversely affect protein function. These predictions have not been confirmed by published functional studies and their clinical significance is uncertain. In summary, the available evidence is currently insufficient to determine the role of this variant in disease. Therefore, it has been classified as a Variant of Uncertain Significance.

NM_006949.4(STXBP2):c.47G>A (p.Ser16Asn)

Gene: STXBP2 (syntaxin binding protein 2; plus strand). Cytogenetic location: 19p13.2.
Variant type: single nucleotide variant.
Coding change: c.47G>A on transcript NM_006949.4 (MANE Select); coding-DNA position 47, G replaced by A.
Protein change: p.Ser16Asn; replaces serine 16 with asparagine.
Molecular consequence: missense variant. On other transcripts: non-coding transcript variant (1).
Genome position (GRCh38, 1-based): chr19:7,638,735, G>A. VCF-style: chr19-7638735-G-A. GRCh37 (hg19) VCF-style: chr19-7703621-G-A.
Other names: c.47G>A, p.Ser16Asn (NM_001127396.3, NM_001272034.2); short protein forms S16N.
Identifiers: ClinVar variation 1390334 (VCV001390334.8), dbSNP rs2146206110, ClinGen allele CA403155183.